The following is an entry in ClinVar:

ClinVar aggregate classification (germline): Uncertain significance. Review status: criteria provided, multiple submitters, no conflicts (2 of 4 stars). 3 submissions from 3 submitters: Uncertain significance (3). Last evaluated 2024-11-09.

Conditions:
Inborn genetic diseases. Identifiers: MedGen C0950123, MeSH D030342.

Allele frequency attached by ClinVar (database versions not stated): TOPMed below 0.00001.

Submissions (3):

GeneDx
Classification: Uncertain significance. Last evaluated: 2024-11-09. Review status: criteria provided, single submitter. Criteria: GeneDx Variant Classification Process June 2021. Collection method: clinical testing. Allele origin: germline. Affected: yes.
Comment: Not observed at significant frequency in large population cohorts (gnomAD); In silico analysis indicates that this missense variant does not alter protein structure/function; Has not been previously published as pathogenic or benign to our knowledge

Mayo Clinic Laboratories, Mayo Clinic
Classification: Uncertain significance. Last evaluated: 2022-04-19. Review status: criteria provided, single submitter. Criteria: ACMG Guidelines, 2015. Collection method: clinical testing. Allele origin: germline. Observed: 1 variant allele.
Comment: BP4, PM2

Ambry Genetics
Classification: Uncertain significance for Inborn genetic diseases. Last evaluated: 2021-06-18. Review status: criteria provided, single submitter. Criteria: Ambry Variant Classification Scheme 2023. Collection method: clinical testing. Allele origin: germline.

NM_016729.3(FOLR1):c.407A>G (p.Lys136Arg)

Genes: FOLR1 (folate receptor alpha; plus strand), FOLR1-AS1 (FOLR1 antisense RNA 1; minus strand). Cytogenetic location: 11q13.4.
Variant type: single nucleotide variant.
Coding change: c.407A>G on transcript NM_016729.3 (MANE Select); coding-DNA position 407, A replaced by G.
Protein change: p.Lys136Arg; replaces lysine 136 with arginine.
Molecular consequence: missense variant.
Genome position (GRCh38, 1-based): chr11:72,195,661, A>G. VCF-style: chr11-72195661-A-G. GRCh37 (hg19) VCF-style: chr11-71906705-A-G.
Other names: p.Lys136Arg; c.407A>G, p.Lys136Arg (NM_000802.3, NM_016724.3, NM_016725.3 and 1 more transcripts); short protein forms K136R.
Identifiers: ClinVar variation 2683160 (VCV002683160.3), dbSNP rs1049670959, ClinGen allele CA224405073.
Genomic context (GRCh38, chr11:72,195,661, plus strand): 5'-AAATCACCCAGGTGGATCAGAGCTGGCGCAAAGAGCGGGTACTGAACGTGCCCCTGTGCA[A>G]AGAGGACTGTGAGCAATGGTGGGAAGATTGTCGCACCTCCTACACCTGCAAGAGCAACTG-3'
Protein context (NP_057941.1, residues 126-146): KERVLNVPLC[Lys136Arg]EDCEQWWEDC